The following is an entry in ClinVar:

ClinVar aggregate classification (germline): Pathogenic/Likely pathogenic. Review status: criteria provided, multiple submitters, no conflicts (2 of 4 stars). 31 submissions from 29 submitters: Pathogenic (21); Likely pathogenic (3). 7 of the submissions do not count toward it. Last evaluated 2026-08-24.

Conditions:
Autosomal recessive ABCA4-related disorders.
ABCA4-related retinopathy. Also called: ABCA4 retinoapthy; ABCA4-related retinoapthy. Identifiers: MedGen CN322612, MONDO:0800406.
ABCA4-related disorder. Also called: ABCA4-related disorders; ABCA4-related condition. Identifiers: MedGen CN239167.
Retinal dystrophy. Also called: Inherited retinal dystrophy. Identifiers: Orphanet 71862, MedGen C0854723, MeSH D058499, MONDO:0019118, HP:0000556.
Retinitis pigmentosa 19 (RP19). Also called: ABCA4-Related Retinitis Pigmentosa. Identifiers: Orphanet 791, MedGen C1866422, MONDO:0011137, OMIM 601718.
Age related macular degeneration 2. Also called: MACULAR DEGENERATION, SENILE; MACULOPATHY, AGE-RELATED, 2; MACULOPATHY, AGE-RELATED. Identifiers: MedGen C3495438, MONDO:0007932, OMIM 153800.
Cone-rod dystrophy 3 (CORD3). Identifiers: Orphanet 1872, MedGen C1858806, MONDO:0011395, OMIM 604116.
Severe early-childhood-onset retinal dystrophy (STGD1). Also called: Stargardt macular dystrophy; Juvenile onset macular degeneration; Stargardt disease 1; MACULAR DYSTROPHY WITH FLECKS, TYPE 1; STGD. Identifiers: Orphanet 364055, Orphanet 827, MedGen C1855465, MeSH D000080362, MONDO:0009549, OMIM 248200.
Retinal dystrophy, early-onset severe. Identifiers: MedGen C1858080.
Stargardt disease (FFM). Also called: Stargardt's disease; Fundus flavimaculatus. Identifiers: Orphanet 827, MedGen C0271093, MONDO:0019353.
Leber congenital amaurosis 14 (LCA14). Identifiers: MedGen C2750063, MONDO:0013231, OMIM 613341.
Retinal disorder. Also called: Retinal disorders; Retinopathies; Retinal Diseases; Retinopathy. Identifiers: MedGen C0035309, MONDO:0005283, HP:0000488.

Allele frequency attached by ClinVar (database versions not stated): gnomAD exomes 0.00001 and 0.00003; TOPMed 0.00001; gnomAD 0.00001; ExAC 0.00002.
gnomAD v4.1: 23 of 1,614,096 alleles (0.0014%); highest among the groups gnomAD compares: Middle Eastern, 0.016%; no homozygotes.

Submissions 1 to 10 of 31:

PreventionGenetics, part of Exact Sciences
Classification: Pathogenic for ABCA4-related condition. Last evaluated: 2026-08-24. Review status: criteria provided, single submitter. Criteria: ACMG Guidelines, 2015. Collection method: clinical testing. Allele origin: germline.
Comment: The ABCA4 c.6088C>T variant is predicted to result in premature protein termination (p.Arg2030*). This variant has been reported many times in individuals with Stargardt disease (see for examples: Lewis et al. 1999. PubMed ID: 9973280; Pozo et al. 2014. PubMed ID: 25544989; Table S4, Jiang et al. 2016. PubMed ID: 26780318; Table S2, Del Pozo-Valero et al. 2022. PubMed ID: 35119454). This variant is present in 0.013% of alleles in individuals of South Asian descent in gnomAD. Nonsense variants in ABCA4 are an established mechanism of disease. Given the evidence, we interpret this variant as pathogenic.

Women's Health and Genetics/Laboratory Corporation of America, LabCorp
Classification: Pathogenic for Cone-rod dystrophy 3. Last evaluated: 2026-06-12. Review status: criteria provided, single submitter. Criteria: LabCorp Variant Classification Summary - May 2015. Collection method: clinical testing. Allele origin: germline.
Comment: Variant summary: ABCA4 c.6088C>T (p.Arg2030X) results in a premature termination codon, predicted to cause a truncation of the encoded protein or absence of the protein due to nonsense mediated decay, which are commonly known mechanisms for disease. The variant allele was found at a frequency of 2.8e-05 in 251394 control chromosomes. c.6088C>T has been observed in multiple individual(s) affected with ABCA4-related conditions (e.g.Fujinami_2015). To our knowledge, no experimental evidence demonstrating an impact on protein function has been reported. The following publication has been ascertained in the context of this evaluation (PMID: 25312043). ClinVar contains an entry for this variant (Variation ID: 7907). Based on the evidence outlined above, the variant was classified as pathogenic.

Dasa
Classification: Pathogenic. Last evaluated: 2026-04-05. Review status: criteria provided, single submitter. Criteria: DASA Assertion Criteria. Collection method: clinical testing. Allele origin: germline.
Comment: NM_000350.3(ABCA4):c.6088C>T (p.Arg2030*) introduces a premature termination codon predicted to result in loss of normal protein function. Loss-of-function is an established mechanism of disease for this gene. Segregation evidence has been reported in affected families. This variant has been observed in affected individuals with related phenotype in a genotype context consistent with recessive disease (PMID: 16546111; PMID: 25544989; PMID: 28947085). This variant has been recurrently observed in individuals with related phenotype (PMID: 16546111; PMID: 25544989; PMID: 28947085). The variant is present at low frequency in population datasets. Based on the available data, this variant is classified as pathogenic.

Labcorp Genetics (formerly Invitae), Labcorp
Classification: Pathogenic. Last evaluated: 2025-10-15. Review status: criteria provided, single submitter. Criteria: Invitae Variant Classification Sherloc (09022015). Collection method: clinical testing. Allele origin: germline.
Comment: This sequence change creates a premature translational stop signal (p.Arg2030*) in the ABCA4 gene. It is expected to result in an absent or disrupted protein product. Loss-of-function variants in ABCA4 are known to be pathogenic (PMID: 10958761, 24938718, 25312043, 26780318). This variant is present in population databases (rs61751383, gnomAD 0.01%). This premature translational stop signal has been observed in individual(s) with ABCA4-related retinal diseases (PMID: 25544989, 28947085). ClinVar contains an entry for this variant (Variation ID: 7907). For these reasons, this variant has been classified as Pathogenic.

Variantyx, Inc.
Classification: Pathogenic for Autosomal recessive ABCA4-related disorders. Last evaluated: 2025-08-14. Review status: criteria provided, single submitter. Criteria: Variantyx Assertion Criteria 2022. Collection method: clinical testing. Allele origin: germline. Inheritance: Autosomal recessive inheritance. Affected: no.
Comment: This is a nonsense variant in the ABCA4 gene (OMIM: 601691). Pathogenic variants in this gene have been associated with autosomal recessive ABCA4-related disorders. This variant introduces a premature termination codon in exon 44 out of 50. It is expected to result in loss of function, which is a known disease mechanism for ABCA4 in this disorder (PMID: 35119454) (PVS1). This variant has been identified in the homozygous or compound heterozygous state in many unrelated, affected individuals reported in the published literature (PMID: 28947085, 16546111, 25544989, 35119454) (PM3_Strong) and it has been observed to segregate with disease in at least 6 individuals from 2 families (PMID: 16546111, 25544989) (PP1_Moderate). This variant has a 0.0143% maximum allele frequency in non-founder control populations (PM2). Based on the current evidence, this variant is classified as pathogenic for autosomal recessive ABCA4-related disorders.

Genetics Laboratory, Great Ormond Street Hospital NHS Foundation Trust, North Thames Genomic Laboratory Hub
Classification: Pathogenic for Retinal disorders. Last evaluated: 2025-08-11. Review status: criteria provided, single submitter. Criteria: ACGS Best Practice Guidelines for Variant Classification in Rare Disease 2024 v1.2. Collection method: clinical testing. Allele origin: germline. Affected: yes.
Comment: PM2_moderate, PVS1_very-strong, PM3_moderate

OLLIN Analises Genomicas, OLLIN
Classification: Pathogenic for Severe early-childhood-onset retinal dystrophy. Last evaluated: 2025-07-14. Review status: criteria provided, single submitter. Criteria: ACMG Guidelines 2015 PMID 25741868. Collection method: clinical testing. Allele origin: germline. Affected: yes. Observed: 1 variant allele.
Comment: The nonsense variant (chr1:94005500G>A), located in exon 44 (of 50), is reported in gnomAD v4.1 non-UKB with an allele frequency of 0.0022%, in ClinVar (VCV000007907.38) and in the scientific literature, in compound heterozygosity and homozygosity, also segregating with the phenotype, in individuals with retinal dystrophy (PMID: 25312043, 30718709, 28947085, 25544989, 16546111). This variant introduces a premature stop codon, resulting in a truncated protein or mRNA degradation via nonsense-mediated decay (NMD). According to currently available evidence, this variant has been classified as pathogenic (PVS1, PM2_P, PM3_VS, PP1_S).

SingHealth Duke-NUS Institute of Precision Medicine
Classification: Likely pathogenic for Severe early-childhood-onset retinal dystrophy. Last evaluated: 2025-02-05. Review status: criteria provided, single submitter. Criteria: PRISM ACMG Classification Criteria. Collection method: clinical testing. Allele origin: germline. Affected: yes.
Comment: Variant is a null variant that is predicted to cause nonsense-mediated decay in a gene where LOF is a known cause of pathogenicity (PVS1). Homozygous allele count in gnomAD exomes and genomes are less than 0 (PM2)

3billion
Classification: Pathogenic for ABCA4-related disorder. Last evaluated: 2024-06-08. Review status: criteria provided, single submitter. Criteria: ACMG Guidelines, 2015. Collection method: clinical testing. Allele origin: germline. Affected: yes.
Comment: The variant is observed at an extremely low frequency in the gnomAD v4.0.0 dataset (total allele frequency: 0.001%). Predicted Consequence/Location: Stop-gained (nonsense): predicted to result in a loss or disruption of normal protein function through nonsense-mediated decay (NMD) or protein truncation. Multiple pathogenic variants are reported downstream of the variant. The variant has been reported at least twice as pathogenic with clinical assertions and evidence for the classification (ClinVar ID: VCV000007907 /PMID: 9973280). Therefore, this variant is classified as Pathogenic according to the recommendation of ACMG/AMP guideline.

Dept Of Ophthalmology, Nagoya University
Classification: Pathogenic for Retinal dystrophy. Last evaluated: 2023-10-01. Review status: criteria provided, single submitter. Criteria: Submitter's publication. Collection method: research. Allele origin: germline. Affected: yes.

NM_000350.3(ABCA4):c.6088C>T (p.Arg2030Ter)

Gene: ABCA4 (ATP binding cassette subfamily A member 4; minus strand). Cytogenetic location: 1p22.1.
Variant type: single nucleotide variant.
Coding change: c.6088C>T on transcript NM_000350.3 (MANE Select); coding-DNA position 6088, C replaced by T.
Protein change: p.Arg2030Ter; replaces arginine 2030 with a stop codon.
Molecular consequence: nonsense.
Genome position (GRCh38, 1-based): chr1:94,005,500, G>A on the plus strand (C>T on the coding strand, the complement: ABCA4 is on the minus strand). VCF-style: chr1-94005500-G-A. GRCh37 (hg19) VCF-style: chr1-94471056-G-A.
Other names: NM_000350.3(ABCA4):c.6088C>T; p.Arg2030Ter; NP_000341.2:p.(Arg2030Ter); c.5866C>T, p.Arg1956Ter (NM_001425324.1); short protein forms R2030*, R1956*.
Identifiers: ClinVar variation 7907 (VCV000007907.44), dbSNP rs61751383, ClinGen allele CA119140.
Genomic context (GRCh38, chr1:94,005,500, plus strand): 5'-CCTTTTCGATTTCTTCTGCTGGTACACCTCGAAGCCGGGCATAAAGGTAAAGATGTTCTC[G>A]TCCTGTGAGCAGCTCATCAATTGCATCAAACTGAGGACAGTAGCCCATATTTTGATGGAC-3'